The following is an entry in ClinVar:

GRCh37/hg19 16p13.11(chr16:15324776-16294705)x1

Genes: ABCC1 (ATP binding cassette subfamily C member 1 (ABCC1 blood group); plus strand), ABCC6 (ATP binding cassette subfamily C member 6; minus strand), BMERB1 (bMERB domain containing 1; plus strand), CEP20 (centrosomal protein 20; minus strand), MARF1 (meiosis regulator and mRNA stability factor 1; minus strand) and 4 more. Cytogenetic location: 16p13.11.
Variant type: copy number loss.
Change: copy number 1 (one copy instead of two) of chr16:15,324,776-16,294,705 (969.9 kb, GRCh37 coordinates, 1-based), cytogenetic band 16p13.11.
Identifiers: ClinVar variation 2685559 (VCV002685559.1).

ClinVar aggregate classification (germline): Pathogenic (1 of 4 stars; one submission).

Submission:

Quest Diagnostics Nichols Institute San Juan Capistrano
Classification: Pathogenic. Last evaluated: 2022-12-18. Review status: criteria provided, single submitter. Criteria: ACMG/ClinGen CNV Guidelines, 2019. Collection method: clinical testing. Allele origin: unknown.
Comment: Inherited and de novo deletions involving 16p13.11 have been implicated in variable phenotypes ranging from unaffected to neurodevelopmental disorders with intellectual disability (Tropeano et al. PLoS One. 2013 Apr 18;8(4):e61365. PMID: 23637818; Nagamani et al., Eur J Hum Genet. 2010 19(3):280-6, PMID: 21150890; Hannes et al., 2009. J Med Genet. 46(4):223-32, PMID: 18550696; Ullmann et al., 2007. Hum Mutat. 28(7):674-82, PMID: 17480035; Rehm et al., N Engl J Med. 2015 Jun 4;372(23):2235-42. PMID: 26014595 ISCA-37415). Inheritance from a normal or mildly affected parent has been reported, suggesting incomplete penetrance and variable expressivity. This copy number loss is classified as pathogenic.